The following is an entry in ClinVar:

NM_001379291.1(BRD4):c.2159-1639C>T

Gene: BRD4 (bromodomain containing 4; minus strand). Cytogenetic location: 19p13.12.
Variant type: single nucleotide variant.
Coding change: c.2159-1639C>T on transcript NM_001379291.1 (MANE Select); 1639 bases into the intron before coding-DNA position 2159, C replaced by T.
Molecular consequence: intron variant.
Genome position (GRCh38, 1-based): chr19:15,246,401, G>A on the plus strand (C>T on the coding strand, the complement: BRD4 is on the minus strand). VCF-style: chr19-15246401-G-A. GRCh37 (hg19) VCF-style: chr19-15357212-G-A.
Other names: c.2159-1639C>T (NM_058243.3).
Identifiers: ClinVar variation 1675731 (VCV001675731.33), dbSNP rs534500790, ClinGen allele CA305793050.

ClinVar aggregate classification (germline): Benign (1 of 4 stars; one submission).

Allele frequency attached by ClinVar (database versions not stated): 1000 Genomes Project 0.00020; 1000 Genomes Project 30x 0.00078; gnomAD 0.00152 and 0.00161; TOPMed 0.00177.

Submission:

CeGaT Center for Human Genetics Tuebingen
Classification: Benign. Last evaluated: 2023-11-01. Review status: criteria provided, single submitter. Criteria: CeGaT Center For Human Genetics Tuebingen Variant Classification Criteria Version 2. Collection method: clinical testing. Allele origin: germline. Affected: yes. Observed: 2 variant alleles.
Comment: BRD4: BS1, BS2